The following is an entry in ClinVar:

ClinVar aggregate classification (germline): Uncertain significance (1 of 4 stars; one submission).

Submission:

GeneDx
Classification: Uncertain significance. Last evaluated: 2025-01-08. Review status: criteria provided, single submitter. Criteria: GeneDx Variant Classification Process June 2021. Collection method: clinical testing. Allele origin: germline. Affected: yes.
Comment: Not observed at significant frequency in large population cohorts (gnomAD); In silico analysis supports that this missense variant has a deleterious effect on protein structure/function; Has not been previously published as pathogenic or benign to our knowledge

NM_015557.3(CHD5):c.3361G>A (p.Asp1121Asn)

Gene: CHD5 (chromodomain helicase DNA binding protein 5; minus strand). Cytogenetic location: 1p36.31.
Variant type: single nucleotide variant.
Coding change: c.3361G>A on transcript NM_015557.3 (MANE Select); coding-DNA position 3361, G replaced by A.
Protein change: p.Asp1121Asn; replaces aspartic acid 1121 with asparagine.
Molecular consequence: missense variant.
Genome position (GRCh38, 1-based): chr1:6,130,230, C>T on the plus strand (G>A on the coding strand, the complement: CHD5 is on the minus strand). VCF-style: chr1-6130230-C-T. GRCh37 (hg19) VCF-style: chr1-6190290-C-T.
Other names: short protein forms D1121N.
Identifiers: ClinVar variation 4057066 (VCV004057066.1).